The following is an entry in ClinVar:

NM_000088.4(COL1A1):c.1741G>A (p.Gly581Arg)

Gene: COL1A1 (collagen type I alpha 1 chain; minus strand). Cytogenetic location: 17q21.33.
Variant type: single nucleotide variant.
Coding change: c.1741G>A on transcript NM_000088.4 (MANE Select); coding-DNA position 1741, G replaced by A.
Protein change: p.Gly581Arg; replaces glycine 581 with arginine.
Molecular consequence: missense variant.
Genome position (GRCh38, 1-based): chr17:50,193,969, C>T on the plus strand (G>A on the coding strand, the complement: COL1A1 is on the minus strand). VCF-style: chr17-50193969-C-T. GRCh37 (hg19) VCF-style: chr17-48271330-C-T.
Other names: short protein forms G581R.
Identifiers: ClinVar variation 3338860 (VCV003338860.1).

ClinVar aggregate classification (germline): Pathogenic (1 of 4 stars; one submission).

Submission:

GeneDx
Classification: Pathogenic. Last evaluated: 2023-09-20. Review status: criteria provided, single submitter. Criteria: GeneDx Variant Classification Process June 2021. Collection method: clinical testing. Allele origin: germline. Affected: yes.
Comment: Occurs in the triple helical domain and replaces a glycine in a canonical Gly-X-Y repeat; missense substitution of a canonical glycine residue is expected to disrupt normal protein folding and function, and this is an established mechanism of disease (Jovanovic et al., 2021); Not observed at significant frequency in large population cohorts (gnomAD); In silico analysis supports that this missense variant has a deleterious effect on protein structure/function; This variant is associated with the following publications: (PMID: 34007986, 33973562, 16786509)